The following is an entry in ClinVar:

NM_002458.3(MUC5B):c.8290C>A (p.Pro2764Thr)

Genes: MUC5B (mucin 5B, oligomeric mucus/gel-forming; plus strand), MUC5B-AS1 (MUC5B antisense RNA 1; minus strand). Cytogenetic location: 11p15.5.
Variant type: single nucleotide variant.
Coding change: c.8290C>A on transcript NM_002458.3 (MANE Select); coding-DNA position 8290, C replaced by A.
Protein change: p.Pro2764Thr; replaces proline 2764 with threonine.
Molecular consequence: missense variant.
Genome position (GRCh38, 1-based): chr11:1,245,170, C>A. VCF-style: chr11-1245170-C-A. GRCh37 (hg19) VCF-style: chr11-1266400-C-A.
Other names: short protein forms P2764T.
Identifiers: ClinVar variation 3025326 (VCV003025326.22), dbSNP rs201537972, ClinGen allele CA5806600.

ClinVar aggregate classification (germline): Likely benign (1 of 4 stars; one submission).

Allele frequency attached by ClinVar (database versions not stated): ExAC 0.00120; gnomAD 0.00410; 1000 Genomes Project 30x 0.00781.

Submission:

CeGaT Center for Human Genetics Tuebingen
Classification: Likely benign. Last evaluated: 2025-03-01. Review status: criteria provided, single submitter. Criteria: CeGaT Center For Human Genetics Tuebingen Variant Classification Criteria Version 2. Collection method: clinical testing. Allele origin: germline. Affected: yes. Observed: 7 variant alleles.
Comment: MUC5B: BP4, BS1